The following is an entry in ClinVar:

NM_006218.4(PIK3CA):c.931A>G (p.Ile311Val)

Gene: PIK3CA (phosphatidylinositol-4,5-bisphosphate 3-kinase catalytic subunit alpha; plus strand). Cytogenetic location: 3q26.32.
Variant type: single nucleotide variant.
Coding change: c.931A>G on transcript NM_006218.4 (MANE Select); coding-DNA position 931, A replaced by G.
Protein change: p.Ile311Val; replaces isoleucine 311 with valine.
Molecular consequence: missense variant.
Genome position (GRCh38, 1-based): chr3:179,203,661, A>G. VCF-style: chr3-179203661-A-G. GRCh37 (hg19) VCF-style: chr3-178921449-A-G.
Other names: c.931A>G (LRG_310t1); short protein forms I311V.
Identifiers: ClinVar variation 526636 (VCV000526636.11), dbSNP rs201238717, ClinGen allele CA2710610.

ClinVar aggregate classification (germline): Conflicting classifications of pathogenicity. Review status: criteria provided, conflicting classifications (1 of 4 stars). 2 submissions from 2 submitters: Uncertain significance (1); Likely benign (1). Last evaluated 2025-02-16.

Conditions:
Cowden syndrome (CS). Also called: Cowden's disease; Cowden's syndrome; Cowden disease. Identifiers: Orphanet 201, MedGen C0018553, MONDO:0016063. Disease mechanism: gain of function.

Allele frequency attached by ClinVar (database versions not stated): gnomAD exomes 0.00001; ExAC 0.00002; TOPMed 0.00002; gnomAD 0.00004; ESP Exome Variant Server 0.00008.
gnomAD v4.1: 25 of 1,613,852 alleles (0.0015%); highest among the groups gnomAD compares: Non-Finnish European, 0.0019%; no homozygotes.

Submissions (2):

Laboratory of Genetics, Children's Clinical University Hospital Latvia
Classification: Likely benign. Last evaluated: 2025-02-16. Review status: criteria provided, single submitter. Criteria: ACMG Guidelines, 2015. Collection method: clinical testing. Allele origin: germline. Affected: yes.

Labcorp Genetics (formerly Invitae), Labcorp
Classification: Uncertain significance for Cowden syndrome. Last evaluated: 2024-09-05. Review status: criteria provided, single submitter. Criteria: Invitae Variant Classification Sherloc (09022015). Collection method: clinical testing. Allele origin: germline.
Comment: This sequence change replaces isoleucine, which is neutral and non-polar, with valine, which is neutral and non-polar, at codon 311 of the PIK3CA protein (p.Ile311Val). This variant is present in population databases (rs201238717, gnomAD 0.004%). This variant has not been reported in the literature in individuals affected with PIK3CA-related conditions. ClinVar contains an entry for this variant (Variation ID: 526636). Invitae Evidence Modeling of protein sequence and biophysical properties (such as structural, functional, and spatial information, amino acid conservation, physicochemical variation, residue mobility, and thermodynamic stability) has been performed for this missense variant. However, the output from this modeling did not meet the statistical confidence thresholds required to predict the impact of this variant on PIK3CA protein function. In summary, the available evidence is currently insufficient to determine the role of this variant in disease. Therefore, it has been classified as a Variant of Uncertain Significance.